The following is an entry in ClinVar:

ClinVar aggregate classification (germline): Uncertain significance. Review status: criteria provided, multiple submitters, no conflicts (2 of 4 stars). 2 submissions from 2 submitters: Uncertain significance (2). Last evaluated 2026-01-19.

Conditions:
Osteogenesis imperfecta type I (OI1). Also called: Lobstein's Disease; Classic Non-deforming Osteogenesis Imperfecta with Blue Sclerae; Lobstein disease; OI, TYPE I; OSTEOGENESIS IMPERFECTA TARDA; OSTEOGENESIS IMPERFECTA WITH BLUE SCLERAE. Identifiers: Orphanet 216796, Orphanet 666, MedGen C0023931, MONDO:0008146, OMIM 166200. Disease mechanism: loss of function.
Ehlers-Danlos syndrome, classic type, 1 (EDSCL1). Also called: Ehlers-Danlos syndrome, type 1; Ehlers-Danlos Syndrome, Classic Type, COL5A1-Related; EDS I; EHLERS-DANLOS SYNDROME, GRAVIS TYPE; EHLERS-DANLOS SYNDROME, SEVERE CLASSIC TYPE. Identifiers: MedGen C0268335, MONDO:0019567, OMIM 130000.

gnomAD v4.1: 15 of 1,613,736 alleles (0.00093%); highest among the groups gnomAD compares: East Asian, 0.013%; no homozygotes.

Submissions (2):

Labcorp Genetics (formerly Invitae), Labcorp
Classification: Uncertain significance for Osteogenesis imperfecta type I; Ehlers-Danlos syndrome, classic type, 1. Last evaluated: 2026-01-19. Review status: criteria provided, single submitter. Criteria: Invitae Variant Classification Sherloc (09022015). Collection method: clinical testing. Allele origin: germline.
Comment: This sequence change replaces proline, which is neutral and non-polar, with serine, which is neutral and polar, at codon 549 of the COL1A2 protein (p.Pro549Ser). This variant is present in population databases (rs42524, gnomAD 0.003%). This variant has not been reported in the literature in individuals affected with COL1A2-related conditions. ClinVar contains an entry for this variant (Variation ID: 862080). Invitae Evidence Modeling of protein sequence and biophysical properties (such as structural, functional, and spatial information, amino acid conservation, physicochemical variation, residue mobility, and thermodynamic stability) indicates that this missense variant is not expected to disrupt COL1A2 protein function with a negative predictive value of 95%. In summary, the available evidence is currently insufficient to determine the role of this variant in disease. Therefore, it has been classified as a Variant of Uncertain Significance.

GeneDx
Classification: Uncertain significance. Last evaluated: 2023-05-15. Review status: criteria provided, single submitter. Criteria: GeneDx Variant Classification Process June 2021. Collection method: clinical testing. Allele origin: germline. Affected: yes.
Comment: In silico analysis supports that this missense variant does not alter protein structure/function; Has not been previously published as pathogenic or benign to our knowledge

NM_000089.4(COL1A2):c.1645C>T (p.Pro549Ser)

Gene: COL1A2 (collagen type I alpha 2 chain; plus strand). Cytogenetic location: 7q21.3.
Variant type: single nucleotide variant.
Coding change: c.1645C>T on transcript NM_000089.4 (MANE Select); coding-DNA position 1645, C replaced by T.
Protein change: p.Pro549Ser; replaces proline 549 with serine.
Molecular consequence: missense variant.
Genome position (GRCh38, 1-based): chr7:94,413,927, C>T. VCF-style: chr7-94413927-C-T. GRCh37 (hg19) VCF-style: chr7-94043239-C-T.
Other names: short protein forms P549S.
Identifiers: ClinVar variation 862080 (VCV000862080.11), dbSNP rs42524, ClinGen allele CA4347146.